The following is an entry in ClinVar:

ClinVar aggregate classification (germline): Uncertain significance. Review status: criteria provided, multiple submitters, no conflicts (2 of 4 stars). 4 submissions from 4 submitters: Uncertain significance (4). Last evaluated 2024-10-23.

Conditions:
Cardiovascular phenotype. Identifiers: MedGen CN230736.

Allele frequency attached by ClinVar (database versions not stated): gnomAD exomes below 0.00001.
gnomAD v4.1: 1 of 1,612,264 alleles (0.000062%); highest among the groups gnomAD compares: Admixed American, 0.0017%; no homozygotes.

Submissions (4):

Mayo Clinic Laboratories, Mayo Clinic
Classification: Uncertain significance. Last evaluated: 2024-10-23. Review status: criteria provided, single submitter. Criteria: ACMG Guidelines, 2015. Collection method: clinical testing. Allele origin: germline. Observed: 1 variant allele.

Ambry Genetics
Classification: Uncertain significance for Cardiovascular phenotype. Last evaluated: 2024-04-16. Review status: criteria provided, single submitter. Criteria: Ambry Variant Classification Scheme 2023. Collection method: clinical testing. Allele origin: germline.
Comment: The p.K253E variant (also known as c.757A>G), located in coding exon 5 of the FKTN gene, results from an A to G substitution at nucleotide position 757. The lysine at codon 253 is replaced by glutamic acid, an amino acid with similar properties. This amino acid position is conserved. In addition, the in silico prediction for this alteration is inconclusive. Based on the available evidence, the clinical significance of this variant remains unclear.

Revvity Omics, Revvity
Classification: Uncertain significance. Last evaluated: 2019-09-05. Review status: criteria provided, single submitter. Criteria: ACMG Guidelines, 2015. Collection method: clinical testing. Allele origin: germline.

Eurofins Ntd Llc (ga)
Classification: Uncertain significance. Last evaluated: 2016-08-25. Review status: criteria provided, single submitter. Criteria: EGL Classification Definitions 2015. Collection method: clinical testing. Allele origin: germline. Observed: 1 variant allele, 1 heterozygote.

NM_001079802.2(FKTN):c.757A>G (p.Lys253Glu)

Gene: FKTN (fukutin; plus strand). Cytogenetic location: 9q31.2.
Variant type: single nucleotide variant.
Coding change: c.757A>G on transcript NM_001079802.2 (MANE Select); coding-DNA position 757, A replaced by G.
Protein change: p.Lys253Glu; replaces lysine 253 with glutamic acid.
Molecular consequence: missense variant. On other transcripts: non-coding transcript variant (2).
Genome position (GRCh38, 1-based): chr9:105,607,928, A>G. VCF-style: chr9-105607928-A-G. GRCh37 (hg19) VCF-style: chr9-108370209-A-G.
Other names: p.Lys253Glu; c.757A>G (NM_001079802.1); c.757A>G, p.Lys253Glu (NM_001198963.2, NM_001351496.2, NM_001351498.2 and 1 more transcripts); c.688A>G, p.Lys230Glu (NM_001351497.2); c.361A>G, p.Lys121Glu (NM_001351499.2, NM_001351500.2, NM_001351501.2 and 1 more transcripts); short protein forms K253E, K121E, K230E.
Identifiers: ClinVar variation 290499 (VCV000290499.12), dbSNP rs886044467, ClinGen allele CA10606792.